The following is an entry in ClinVar:

NM_016030.6(TRAPPC12):c.990C>T (p.Ala330=)

Gene: TRAPPC12 (trafficking protein particle complex subunit 12; plus strand). Cytogenetic location: 2p25.3.
Variant type: single nucleotide variant.
Coding change: c.990C>T on transcript NM_016030.6 (MANE Select); coding-DNA position 990, C replaced by T.
Protein change: p.Ala330=; no amino-acid change (alanine 330 retained).
Molecular consequence: synonymous variant.
Genome position (GRCh38, 1-based): chr2:3,388,613, C>T. VCF-style: chr2-3388613-C-T. GRCh37 (hg19) VCF-style: chr2-3392384-C-T.
Other names: c.990C>T, p.Ala330= (NM_001321102.2).
Identifiers: ClinVar variation 3034223 (VCV003034223.2), dbSNP rs749361154, ClinGen allele CA1515245.
Genomic context (GRCh38, chr2:3,388,613, plus strand): 5'-GCTTCCCGGCGAGGCTACGCGTGGAGTCCTGCGGGCCGTGGCCACCCAGCAGCGCGGCGC[C>T]GTGTTCGTGGACAAGGAGAACCTCACCATGCCGGGCCTCAGGTTCGACAACATCCAGGTG-3'
Protein context (NP_057114.5, residues 320-340): LRAVATQQRG[Ala330=]VFVDKENLTM

ClinVar aggregate classification (germline): Likely benign (0 of 4 stars; one submission).

Conditions:
TRAPPC12-related disorder. Also called: TRAPPC12-related condition.

Allele frequency attached by ClinVar (database versions not stated): gnomAD exomes 0.00001; TOPMed 0.00001; ExAC 0.00002.
gnomAD v4.1: 5 of 1,600,866 alleles (0.00031%); highest among the groups gnomAD compares: Admixed American, 0.0068%; no homozygotes.

Submission:

PreventionGenetics, part of Exact Sciences
Classification: Likely benign for TRAPPC12-related condition. Last evaluated: 2019-06-18. Review status: no assertion criteria provided. Collection method: clinical testing. Allele origin: germline.
Comment: This variant is classified as likely benign based on ACMG/AMP sequence variant interpretation guidelines (Richards et al. 2015 PMID: 25741868, with internal and published modifications).